The following is an entry in ClinVar:

NM_016030.6(TRAPPC12):c.772G>A (p.Gly258Arg)

Gene: TRAPPC12 (trafficking protein particle complex subunit 12; plus strand). Cytogenetic location: 2p25.3.
Variant type: single nucleotide variant.
Coding change: c.772G>A on transcript NM_016030.6 (MANE Select); coding-DNA position 772, G replaced by A.
Protein change: p.Gly258Arg; replaces glycine 258 with arginine.
Molecular consequence: missense variant.
Genome position (GRCh38, 1-based): chr2:3,388,395, G>A. VCF-style: chr2-3388395-G-A. GRCh37 (hg19) VCF-style: chr2-3392166-G-A.
Other names: c.772G>A, p.Gly258Arg (NM_001321102.2); short protein forms G258R.
Identifiers: ClinVar variation 4742868 (VCV004742868.1).
Genomic context (GRCh38, chr2:3,388,395, plus strand): 5'-CCCGGCGCGGGCTCCCCGGCCCCCGCCAGCCCGCCTCCCCTCGCTGTGCCCGGGACCGAG[G>A]GGCGCCCCGAACCCGTGGCCATGCGAGGGCCCCAGGCAGCTGCGCCCCCGGCGTCGCCAG-3'
Protein context (NP_057114.5, residues 248-268): PPPLAVPGTE[Gly258Arg]RPEPVAMRGP

ClinVar aggregate classification (germline): Uncertain significance (1 of 4 stars; one submission).

Submission:

Labcorp Genetics (formerly Invitae), Labcorp
Classification: Uncertain significance. Last evaluated: 2025-03-09. Review status: criteria provided, single submitter. Criteria: Invitae Variant Classification Sherloc (09022015). Collection method: clinical testing. Allele origin: germline.
Comment: This sequence change replaces glycine, which is neutral and non-polar, with arginine, which is basic and polar, at codon 258 of the TRAPPC12 protein (p.Gly258Arg). This variant is not present in population databases (gnomAD no frequency). This variant has not been reported in the literature in individuals affected with TRAPPC12-related conditions. Invitae Evidence Modeling of protein sequence and biophysical properties (such as structural, functional, and spatial information, amino acid conservation, physicochemical variation, residue mobility, and thermodynamic stability) indicates that this missense variant is not expected to disrupt TRAPPC12 protein function with a negative predictive value of 80%. In summary, the available evidence is currently insufficient to determine the role of this variant in disease. Therefore, it has been classified as a Variant of Uncertain Significance.